The following is an entry in ClinVar:

NM_014991.6(WDFY3):c.8656G>A (p.Asp2886Asn)

Gene: WDFY3 (WD repeat and FYVE domain containing 3; minus strand). Cytogenetic location: 4q21.23.
Variant type: single nucleotide variant.
Coding change: c.8656G>A on transcript NM_014991.6 (MANE Select); coding-DNA position 8656, G replaced by A.
Protein change: p.Asp2886Asn; replaces aspartic acid 2886 with asparagine.
Molecular consequence: missense variant.
Genome position (GRCh38, 1-based): chr4:84,696,764, C>T on the plus strand (G>A on the coding strand, the complement: WDFY3 is on the minus strand). VCF-style: chr4-84696764-C-T. GRCh37 (hg19) VCF-style: chr4-85617917-C-T.
Other names: short protein forms D2886N.
Identifiers: ClinVar variation 4077337 (VCV004077337.1).

ClinVar aggregate classification (germline): Uncertain significance (1 of 4 stars; one submission).

Submission:

GeneDx
Classification: Uncertain significance. Last evaluated: 2025-02-27. Review status: criteria provided, single submitter. Criteria: GeneDx Variant Classification Process June 2021. Collection method: clinical testing. Allele origin: germline. Affected: yes.
Comment: Not observed at significant frequency in large population cohorts (gnomAD); In silico analysis supports that this missense variant has a deleterious effect on protein structure/function; Has not been previously published as pathogenic or benign to our knowledge